The following is an entry in ClinVar:

ClinVar aggregate classification (germline): Uncertain significance. Review status: criteria provided, single submitter (1 of 4 stars). 2 submissions from 1 submitter: Uncertain significance (1). 1 of the submissions does not count toward it. Last evaluated 2024-03-17.

Conditions:
Non-immune hydrops fetalis (NIHF). Also called: Idiopathic hydrops fetalis; Familial non-immune hydrops fetalis; Fetal edema. Identifiers: Orphanet 363999, MedGen C0455988, MONDO:0009369, OMIM 236750, HP:0001790.

Allele frequency attached by ClinVar (database versions not stated): gnomAD exomes 0.00003 and 0.00006; ExAC 0.00004; ESP Exome Variant Server 0.00015; TOPMed 0.00018; gnomAD 0.00021 and 0.00024.
gnomAD v4.1: 82 of 1,612,144 alleles (0.0051%); highest among the groups gnomAD compares: African/African-American, 0.061%; no homozygotes.

Submissions (2):

Genomic Medicine Center of Excellence, King Faisal Specialist Hospital and Research Centre
Classification: Uncertain significance. Last evaluated: 2024-03-17. Review status: criteria provided, single submitter. Criteria: ACMG Guidelines, 2015. Collection method: research. Allele origin: germline.

Genomic Medicine Center of Excellence, King Faisal Specialist Hospital and Research Centre
Classification: Uncertain significance for Non-immune hydrops fetalis. Last evaluated: 2021-04-29. Review status: flagged submission. Collection method: research. Allele origin: germline. Affected: yes. Not counted in ClinVar's aggregate classification.
ClinVar note: Reason: This record appears to be redundant with a more recent record from the same submitter.
ClinVar note: Notes: SCV001870468 appears to be redundant with SCV004805184.

NM_031282.3(FCRL4):c.847+1G>A

Genes: FCRL4 (Fc receptor like 4; minus strand), LOC126805881 (CDK7 strongly-dependent group 2 enhancer GRCh37_chr1:157556896-157558095; plus strand). Cytogenetic location: 1q23.1.
Variant type: single nucleotide variant.
Coding change: c.847+1G>A on transcript NM_031282.3 (MANE Select); the canonical splice donor site of the intron after coding-DNA position 847, G replaced by A.
Molecular consequence: splice donor variant.
Genome position (GRCh38, 1-based): chr1:157,587,275, C>T on the plus strand (G>A on the coding strand, the complement: FCRL4 is on the minus strand). VCF-style: chr1-157587275-C-T. GRCh37 (hg19) VCF-style: chr1-157557065-C-T.
Identifiers: ClinVar variation 1252028 (VCV001252028.3), dbSNP rs147815493, ClinGen allele CA1174762.